The following is an entry in ClinVar:

NM_007294.4(BRCA1):c.3993G>A (p.Gln1331=)

Genes: BRCA1 (BRCA1 DNA repair associated; minus strand), LOC126862571 (BRD4-independent group 4 enhancer GRCh37_chr17:41243136-41244335; plus strand). Cytogenetic location: 17q21.31.
Variant type: single nucleotide variant.
Coding change: c.3993G>A on transcript NM_007294.4 (MANE Select); coding-DNA position 3993, G replaced by A.
Protein change: p.Gln1331=; no amino-acid change (glutamine 1331 retained).
Molecular consequence: synonymous variant. On other transcripts: intron variant (135).
Genome position (GRCh38, 1-based): chr17:43,091,538, C>T on the plus strand (G>A on the coding strand, the complement: BRCA1 is on the minus strand). VCF-style: chr17-43091538-C-T. GRCh37 (hg19) VCF-style: chr17-41243555-C-T.
Other names: c.3993G>A, p.Gln1331= (NM_001407616.1, NM_001407617.1, NM_001407618.1 and 30 more transcripts); c.3990G>A, p.Gln1330= (NM_001407627.1, NM_001407628.1, NM_001407629.1 and 22 more transcripts); c.3984G>A, p.Gln1328= (NM_001407646.1, NM_001407647.1); c.3870G>A, p.Gln1290= (NM_001407648.1, NM_001407664.1, NM_001407665.1 and 19 more transcripts); c.3867G>A, p.Gln1289= (NM_001407649.1, NM_001407670.1, NM_001407671.1 and 11 more transcripts); c.3915G>A, p.Gln1305= (NM_001407653.1, NM_001407654.1, NM_001407655.1 and 4 more transcripts); c.3912G>A, p.Gln1304= (NM_001407659.1, NM_001407660.1, NM_001407661.1 and 1 more transcripts); c.3852G>A, p.Gln1284= (NM_001407692.1, NM_001407694.1, NM_001407695.1 and 29 more transcripts); and 41 more.
Identifiers: ClinVar variation 185385 (VCV000185385.17), dbSNP rs70953658, ClinGen allele CA002557.

ClinVar aggregate classification (germline): Likely benign. Review status: reviewed by expert panel (3 of 4 stars). 4 submissions from 4 submitters: Likely benign (1). 3 of the submissions do not count toward it. Last evaluated 2017-06-29.

Conditions:
Hereditary breast ovarian cancer syndrome. Also called: Hereditary breast and ovarian cancer syndrome; Hereditary breast and ovarian cancer syndrome (HBOC); BRCA1- and BRCA2-Associated Hereditary Breast and Ovarian Cancer; Breast and ovarian cancer; Hereditary breast and ovarian cancer; Hereditary breast and/or ovarian cancer syndrome. Identifiers: Orphanet 145, MedGen C0677776, MeSH D061325, MONDO:0003582. Disease mechanism: loss of function.
Hereditary cancer-predisposing syndrome. Also called: Hereditary Cancer Syndrome; Hereditary neoplastic syndrome; Tumor predisposition; Neoplastic Syndromes, Hereditary. Identifiers: Orphanet 140162, MedGen C0027672, MeSH D009386, MONDO:0015356.
Breast-ovarian cancer, familial, susceptibility to, 1 (BROVCA1). Also called: OVARIAN CANCER, SUSCEPTIBILITY TO; BRCA1 Hereditary Breast and Ovarian Cancer. Identifiers: Orphanet 145, MedGen C2676676, MONDO:0011450, OMIM 604370. Disease mechanism: loss of function.

Submissions (4):

Evidence-based Network for the Interpretation of Germline Mutant Alleles (ENIGMA)
Classification: Likely benign for Breast-ovarian cancer, familial, susceptibility to, 1. Last evaluated: 2017-06-29. Review status: reviewed by expert panel. Criteria: ENIGMA BRCA1/2 Classification Criteria (2017-06-29). Collection method: curation. Allele origin: germline.
Comment: Synonymous substitution variant, with low bioinformatic likelihood to result in a splicing aberration (Splicing prior probability 0.02).

Color Diagnostics, LLC DBA Color Health
Classification: Likely benign for Hereditary cancer-predisposing syndrome. Last evaluated: 2025-11-24. Review status: criteria provided, single submitter. Criteria: ACMG Guidelines, 2015. Collection method: clinical testing. Allele origin: germline. Not counted in ClinVar's aggregate classification.

Labcorp Genetics (formerly Invitae), Labcorp
Classification: Likely benign for Hereditary breast ovarian cancer syndrome. Last evaluated: 2024-06-16. Review status: criteria provided, single submitter. Criteria: Invitae Variant Classification Sherloc (09022015). Collection method: clinical testing. Allele origin: germline. Not counted in ClinVar's aggregate classification.

Ambry Genetics
Classification: Likely benign for Hereditary cancer-predisposing syndrome. Last evaluated: 2014-06-27. Review status: criteria provided, single submitter. Criteria: Ambry Variant Classification Scheme 2023. Collection method: clinical testing. Allele origin: germline. Not counted in ClinVar's aggregate classification.